The following is an entry in ClinVar:

NM_144670.6(A2ML1):c.565C>T (p.Pro189Ser)

Gene: A2ML1 (alpha-2-macroglobulin like 1; plus strand). Cytogenetic location: 12p13.31.
Variant type: single nucleotide variant.
Coding change: c.565C>T on transcript NM_144670.6 (MANE Select); coding-DNA position 565, C replaced by T.
Protein change: p.Pro189Ser; replaces proline 189 with serine.
Molecular consequence: missense variant.
Genome position (GRCh38, 1-based): chr12:8,835,588, C>T. VCF-style: chr12-8835588-C-T. GRCh37 (hg19) VCF-style: chr12-8988184-C-T.
Other names: c.565C>T (NM_144670.5); short protein forms P189S.
Identifiers: ClinVar variation 654692 (VCV000654692.11), dbSNP rs780009431, ClinGen allele CA6435360.

ClinVar aggregate classification (germline): Uncertain significance. Review status: criteria provided, multiple submitters, no conflicts (2 of 4 stars). 3 submissions from 3 submitters: Uncertain significance (3). Last evaluated 2026-01-31.

Allele frequency attached by ClinVar (database versions not stated): ExAC 0.00004; gnomAD 0.00015 and 0.00016; TOPMed 0.00016; 1000 Genomes Project 30x 0.00031; 1000 Genomes Project 0.00040.
gnomAD v4.1: 43 of 1,614,174 alleles (0.0027%); highest among the groups gnomAD compares: African/African-American, 0.04%; no homozygotes.

Submissions (3):

Labcorp Genetics (formerly Invitae), Labcorp
Classification: Uncertain significance. Last evaluated: 2026-01-31. Review status: criteria provided, single submitter. Criteria: Invitae Variant Classification Sherloc (09022015). Collection method: clinical testing. Allele origin: germline.
Comment: This sequence change replaces proline, which is neutral and non-polar, with serine, which is neutral and polar, at codon 189 of the A2ML1 protein (p.Pro189Ser). This variant is present in population databases (rs780009431, gnomAD 0.05%). This variant has not been reported in the literature in individuals affected with A2ML1-related conditions. ClinVar contains an entry for this variant (Variation ID: 654692). An algorithm developed to predict the effect of missense changes on protein structure and function outputs the following: PolyPhen-2: "Benign". The serine amino acid residue is found in multiple mammalian species, which suggests that this missense change does not adversely affect protein function. In summary, the available evidence is currently insufficient to determine the role of this variant in disease. Therefore, it has been classified as a Variant of Uncertain Significance.

Ambry Genetics
Classification: Uncertain significance. Last evaluated: 2025-11-18. Review status: criteria provided, single submitter. Criteria: Ambry Variant Classification Scheme 2023. Collection method: clinical testing. Allele origin: germline.
Comment: The p.P189S variant (also known as c.565C>T), located in coding exon 6 of the A2ML1 gene, results from a C to T substitution at nucleotide position 565. The proline at codon 189 is replaced by serine, an amino acid with similar properties. This amino acid position is conserved. In addition, this alteration is predicted to be tolerated by in silico analysis. Since supporting evidence is limited at this time, the clinical significance of this alteration remains unclear.

Women's Health and Genetics/Laboratory Corporation of America, LabCorp
Classification: Uncertain significance. Last evaluated: 2023-04-23. Review status: criteria provided, single submitter. Criteria: LabCorp Variant Classification Summary - May 2015. Collection method: clinical testing. Allele origin: germline.